The following is an entry in ClinVar:

NM_013240.6(HEMK2):c.479C>T (p.Pro160Leu)

Gene: HEMK2 (HemK methyltransferase 2, ETF1 glutamine and histone H4 lysine; minus strand). Cytogenetic location: 21q21.3.
Variant type: single nucleotide variant.
Coding change: c.479C>T on transcript NM_013240.6 (MANE Select); coding-DNA position 479, C replaced by T.
Protein change: p.Pro160Leu; replaces proline 160 with leucine.
Molecular consequence: missense variant. On other transcripts: non-coding transcript variant (1).
Genome position (GRCh38, 1-based): chr21:28,878,251, G>A on the plus strand (C>T on the coding strand, the complement: HEMK2 is on the minus strand). VCF-style: chr21-28878251-G-A. GRCh37 (hg19) VCF-style: chr21-30250573-G-A.
Other names: c.395C>T, p.Pro132Leu (NM_182749.5); short protein forms P132L, P160L.
Identifiers: ClinVar variation 2652578 (VCV002652578.24), dbSNP rs61735764, ClinGen allele CA9989542.

ClinVar aggregate classification (germline): Likely benign (1 of 4 stars; one submission).

Allele frequency attached by ClinVar (database versions not stated): 1000 Genomes Project 30x 0.00234; 1000 Genomes Project 0.00240; TOPMed 0.00480; gnomAD 0.00565; ESP Exome Variant Server 0.00761.
gnomAD v4.1: 12,504 of 1,606,370 alleles (0.78%); highest among the groups gnomAD compares: Non-Finnish European, 0.98%; 57 homozygotes.

Submission:

CeGaT Center for Human Genetics Tuebingen
Classification: Likely benign. Last evaluated: 2023-01-01. Review status: criteria provided, single submitter. Criteria: CeGaT Center For Human Genetics Tuebingen Variant Classification Criteria Version 2. Collection method: clinical testing. Allele origin: germline. Affected: yes. Observed: 1 variant allele.
Comment: HEMK2: BP4, BS2